The following is an entry in ClinVar:

NM_017777.4(MKS1):c.1296C>T (p.Ser432=)

Gene: MKS1 (MKS transition zone complex subunit 1; minus strand). Cytogenetic location: 17q22.
Variant type: single nucleotide variant.
Coding change: c.1296C>T on transcript NM_017777.4 (MANE Select); coding-DNA position 1296, C replaced by T.
Protein change: p.Ser432=; no amino-acid change (serine 432 retained).
Molecular consequence: synonymous variant. On other transcripts: intron variant (1).
Genome position (GRCh38, 1-based): chr17:58,207,196, G>A on the plus strand (C>T on the coding strand, the complement: MKS1 is on the minus strand). VCF-style: chr17-58207196-G-A. GRCh37 (hg19) VCF-style: chr17-56284557-G-A.
Other names: c.687C>T, p.Ser229= (NM_001321268.2); c.1296C>T, p.Ser432= (NM_001321269.2); c.1273+698C>T (NM_001330397.2).
Identifiers: ClinVar variation 4986184 (VCV004986184.1).

ClinVar aggregate classification (germline): Likely benign (1 of 4 stars; one submission).

Conditions:
MKS1-related disorder. Also called: MKS1-related disorders; MKS1-related condition. Identifiers: MedGen CN239382.

Submission:

PreventionGenetics, part of Exact Sciences
Classification: Likely benign for MKS1-related condition. Last evaluated: 2025-10-08. Review status: criteria provided, single submitter. Criteria: ACMG Guidelines, 2015. Collection method: clinical testing. Allele origin: germline.
Comment: This variant is classified as likely benign based on ACMG/AMP sequence variant interpretation guidelines (Richards et al. 2015 PMID: 25741868, with internal and published modifications).